The following is an entry in ClinVar:

ClinVar aggregate classification (germline): Uncertain significance (1 of 4 stars; one submission).

Submission:

Labcorp Genetics (formerly Invitae), Labcorp
Classification: Uncertain significance. Last evaluated: 2021-06-08. Review status: criteria provided, single submitter. Criteria: Invitae Variant Classification Sherloc (09022015). Collection method: clinical testing. Allele origin: germline.
Comment: This sequence change replaces glycine with serine at codon 1221 of the LRP2 protein (p.Gly1221Ser). The glycine residue is moderately conserved and there is a small physicochemical difference between glycine and serine. The frequency data for this variant in the population databases is not available, as this variant may be reported as separate entries in the ExAC database. This variant has not been reported in the literature in individuals with LRP2-related conditions. Experimental studies and prediction algorithms are not available or were not evaluated, and the functional significance of this variant is currently unknown. In summary, the available evidence is currently insufficient to determine the role of this variant in disease. Therefore, it has been classified as a Variant of Uncertain Significance.

NM_004525.3(LRP2):c.3660_3661delinsGA (p.Gly1221Ser)

Gene: LRP2 (LDL receptor related protein 2; minus strand). Cytogenetic location: 2q31.1.
Variant type: Indel.
Coding change: c.3660_3661delinsGA on transcript NM_004525.3 (MANE Select); coding-DNA positions 3660 to 3661, AG replaced by GA.
Protein change: p.Gly1221Ser; replaces glycine 1221 with serine.
Molecular consequence: missense variant.
Genome position (GRCh38, 1-based): chr2:169,242,962-169,242,963, CT replaced by TC on the plus strand (AG replaced by GA on the coding strand, the reverse complement: LRP2 is on the minus strand). VCF-style: chr2-169242962-CT-TC. GRCh37 (hg19) VCF-style: chr2-170099472-CT-TC.
Other names: short protein forms G1221S.
Identifiers: ClinVar variation 1510446 (VCV001510446.3), dbSNP rs2105386577, ClinGen allele CA2573134218.